The following is an entry in ClinVar:

ClinVar aggregate classification (germline): Benign. Review status: criteria provided, multiple submitters, no conflicts (2 of 4 stars). 4 submissions from 4 submitters: Benign (4). Last evaluated 2026-02-01.

Conditions:
Vitreoretinopathy. Also called: Vitreoretinal degeneration. Identifiers: MedGen C0344290, MONDO:0020248, HP:0007773.

Allele frequency attached by ClinVar (database versions not stated): gnomAD 0.04997 and 0.05374; 1000 Genomes Project 0.05172; 1000 Genomes Project 30x 0.05262; ESP Exome Variant Server 0.05567; TOPMed 0.05601; gnomAD exomes 0.01327; ExAC 0.01631.
gnomAD v4.1: 15,151 of 1,614,008 alleles (0.94%); highest among the groups gnomAD compares: African/African-American, 18%; 1,265 homozygotes.

Submissions (4):

Labcorp Genetics (formerly Invitae), Labcorp
Classification: Benign. Last evaluated: 2026-02-01. Review status: criteria provided, single submitter. Criteria: Invitae Variant Classification Sherloc (09022015). Collection method: clinical testing. Allele origin: germline.

GeneDx
Classification: Benign. Last evaluated: 2021-05-05. Review status: criteria provided, single submitter. Criteria: GeneDx Variant Classification Process June 2021. Collection method: clinical testing. Allele origin: germline. Affected: yes.

Illumina Laboratory Services, Illumina
Classification: Benign for Vitreoretinopathy. Last evaluated: 2018-01-12. Review status: criteria provided, single submitter. Criteria: ICSL Variant Classification Criteria 13 December 2019. Collection method: clinical testing. Allele origin: germline.
Comment: This variant was observed in the ICSL laboratory as part of a predisposition screen in an ostensibly healthy population. It had not been previously curated by ICSL or reported in the Human Gene Mutation Database (HGMD: prior to June 1st, 2018), and was therefore a candidate for classification through an automated scoring system. Utilizing variant allele frequency, disease prevalence and penetrance estimates, and inheritance mode, an automated score was calculated to assess if this variant is too frequent to cause the disease. Based on the score and internal cut-off values, a variant classified as benign is not then subjected to further curation. The score for this variant resulted in a classification of benign for this disease.

PreventionGenetics, part of Exact Sciences
Classification: Benign. Review status: criteria provided, single submitter. Criteria: ACMG Guidelines, 2015. Collection method: clinical testing. Allele origin: germline.

NM_004385.5(VCAN):c.9630C>T (p.His3210=)

Genes: VCAN (versican; plus strand), VCAN-AS1 (VCAN antisense RNA 1; minus strand). Cytogenetic location: 5q14.3.
Variant type: single nucleotide variant.
Coding change: c.9630C>T on transcript NM_004385.5 (MANE Select); coding-DNA position 9630, C replaced by T.
Protein change: p.His3210=; no amino-acid change (histidine 3210 retained).
Molecular consequence: synonymous variant.
Genome position (GRCh38, 1-based): chr5:83,553,500, C>T. VCF-style: chr5-83553500-C-T. GRCh37 (hg19) VCF-style: chr5-82849319-C-T.
Other names: c.1407C>T, p.His469= (NM_001126336.3); c.6669C>T, p.His2223= (NM_001164097.2); c.4368C>T, p.His1456= (NM_001164098.2).
Identifiers: ClinVar variation 259378 (VCV000259378.17), dbSNP rs16900564, ClinGen allele CA3334051.